The following is an entry in ClinVar:

ClinVar aggregate classification (germline): Uncertain significance (1 of 4 stars; one submission).

Conditions:
Hereditary cancer-predisposing syndrome. Also called: Neoplastic Syndromes, Hereditary; Tumor predisposition; Hereditary Cancer Syndrome; Hereditary neoplastic syndrome. Identifiers: Orphanet 140162, MedGen C0027672, MeSH D009386, MONDO:0015356.

Allele frequency attached by ClinVar (database versions not stated): gnomAD exomes below 0.00001.
gnomAD v4.1: 2 of 1,614,032 alleles (0.00012%); highest among the groups gnomAD compares: Non-Finnish European, 0.00017%; no homozygotes.

Submission:

Ambry Genetics
Classification: Uncertain significance for Hereditary cancer-predisposing syndrome. Last evaluated: 2024-05-10. Review status: criteria provided, single submitter. Criteria: Ambry Variant Classification Scheme 2023. Collection method: clinical testing. Allele origin: germline.
Comment: The p.I490T variant (also known as c.1469T>C), located in coding exon 12 of the MRE11A gene, results from a T to C substitution at nucleotide position 1469. The isoleucine at codon 490 is replaced by threonine, an amino acid with similar properties. This amino acid position is conserved. In addition, this alteration is predicted to be tolerated by in silico analysis. Since supporting evidence is limited at this time, the clinical significance of this alteration remains unclear.

NM_005591.4(MRE11):c.1469T>C (p.Ile490Thr)

Gene: MRE11 (MRE11 double strand break repair nuclease; minus strand). Cytogenetic location: 11q21.
Variant type: single nucleotide variant.
Coding change: c.1469T>C on transcript NM_005591.4 (MANE Select); coding-DNA position 1469, T replaced by C.
Protein change: p.Ile490Thr; replaces isoleucine 490 with threonine.
Molecular consequence: missense variant.
Genome position (GRCh38, 1-based): chr11:94,459,439, A>G on the plus strand (T>C on the coding strand, the complement: MRE11 is on the minus strand). VCF-style: chr11-94459439-A-G. GRCh37 (hg19) VCF-style: chr11-94192605-A-G.
Other names: c.1469T>C, p.Ile490Thr (NM_001330347.2, NM_005590.4); short protein forms I490T.
Identifiers: ClinVar variation 1800441 (VCV001800441.3), dbSNP rs2496384582, ClinGen allele CA382371723.